The following is an entry in ClinVar:

ClinVar aggregate classification (germline): Uncertain significance (1 of 4 stars; one submission).

gnomAD v4.1: 1 of 1,612,544 alleles (0.000062%); no homozygotes.

Submission:

Labcorp Genetics (formerly Invitae), Labcorp
Classification: Uncertain significance. Last evaluated: 2022-06-27. Review status: criteria provided, single submitter. Criteria: Invitae Variant Classification Sherloc (09022015). Collection method: clinical testing. Allele origin: germline.
Comment: In summary, the available evidence is currently insufficient to determine the role of this variant in disease. Therefore, it has been classified as a Variant of Uncertain Significance. Algorithms developed to predict the effect of missense changes on protein structure and function are either unavailable or do not agree on the potential impact of this missense change (SIFT: "Not Available"; PolyPhen-2: "Benign"; Align-GVGD: "Not Available"). This variant has not been reported in the literature in individuals affected with IFT88-related conditions. This variant is not present in population databases (gnomAD no frequency). This sequence change replaces cysteine with tyrosine at codon 549 of the IFT88 protein (p.Cys549Tyr). The cysteine residue is moderately conserved and there is a large physicochemical difference between cysteine and tyrosine.

NM_006531.5(IFT88):c.1619G>A (p.Cys540Tyr)

Gene: IFT88 (intraflagellar transport 88; plus strand). Cytogenetic location: 13q12.11.
Variant type: single nucleotide variant.
Coding change: c.1619G>A on transcript NM_006531.5 (MANE Select); coding-DNA position 1619, G replaced by A.
Protein change: p.Cys540Tyr; replaces cysteine 540 with tyrosine.
Molecular consequence: missense variant. On other transcripts: non-coding transcript variant (4).
Genome position (GRCh38, 1-based): chr13:20,641,335, G>A. VCF-style: chr13-20641335-G-A. GRCh37 (hg19) VCF-style: chr13-21215474-G-A.
Other names: c.1562G>A, p.Cys521Tyr (NM_001318491.2, NM_001353575.2); c.1646G>A, p.Cys549Tyr (NM_001318493.2, NM_001353565.2, NM_001353566.2 and 2 more transcripts); c.1619G>A, p.Cys540Tyr (NM_001353568.2, NM_001353572.2); c.1544G>A, p.Cys515Tyr (NM_001353569.2, NM_001353570.2, NM_001353576.2 and 1 more transcripts); c.1517G>A, p.Cys506Tyr (NM_001353571.2, NM_001353578.2); c.1475G>A, p.Cys492Tyr (NM_001353573.2); c.1460G>A, p.Cys487Tyr (NM_001353574.2); c.986G>A, p.Cys329Tyr (NM_001353579.2); short protein forms C492Y, C515Y, C329Y, C506Y, C487Y, C549Y, C521Y, C540Y.
Identifiers: ClinVar variation 1481933 (VCV001481933.6), dbSNP rs1330644120, ClinGen allele CA387473972.